The following is an entry in ClinVar:

NM_152296.5(ATP1A3):c.265G>A (p.Gly89Ser)

Gene: ATP1A3 (ATPase Na+/K+ transporting subunit alpha 3; minus strand). Cytogenetic location: 19q13.2.
Variant type: single nucleotide variant.
Coding change: c.265G>A on transcript NM_152296.5 (MANE Select); coding-DNA position 265, G replaced by A.
Protein change: p.Gly89Ser; replaces glycine 89 with serine.
Molecular consequence: missense variant.
Genome position (GRCh38, 1-based): chr19:41,988,028, C>T on the plus strand (G>A on the coding strand, the complement: ATP1A3 is on the minus strand). VCF-style: chr19-41988028-C-T. GRCh37 (hg19) VCF-style: chr19-42492180-C-T.
Other names: c.298G>A, p.Gly100Ser (NM_001256213.2); c.304G>A, p.Gly102Ser (NM_001256214.2); short protein forms G89S, G102S, G100S.
Identifiers: ClinVar variation 387720 (VCV000387720.5), dbSNP rs1057522886, ClinGen allele CA16608263.

ClinVar aggregate classification (germline): Likely pathogenic (1 of 4 stars; one submission).

Submission:

GeneDx
Classification: Likely pathogenic. Last evaluated: 2022-04-11. Review status: criteria provided, single submitter. Criteria: GeneDx Variant Classification Process June 2021. Collection method: clinical testing. Allele origin: germline. Affected: yes.
Comment: Not observed in large population cohorts (gnomAD); In silico analysis supports that this missense variant has a deleterious effect on protein structure/function; Has not been previously published as pathogenic or benign to our knowledge